The following is an entry in ClinVar:

NM_001378454.1(ALMS1):c.5764G>T (p.Val1922Phe)

Gene: ALMS1 (ALMS1 centrosome and basal body associated protein; plus strand). Cytogenetic location: 2p13.1.
Variant type: single nucleotide variant.
Coding change: c.5764G>T on transcript NM_001378454.1 (MANE Select); coding-DNA position 5764, G replaced by T.
Protein change: p.Val1922Phe; replaces valine 1922 with phenylalanine.
Molecular consequence: missense variant.
Genome position (GRCh38, 1-based): chr2:73,452,291, G>T. VCF-style: chr2-73452291-G-T. GRCh37 (hg19) VCF-style: chr2-73679418-G-T.
Other names: c.5767G>T, p.Val1923Phe (NM_015120.4); short protein forms V1922F, V1923F.
Identifiers: ClinVar variation 1970161 (VCV001970161.2), dbSNP rs1372052137, ClinGen allele CA347283237.

ClinVar aggregate classification (germline): Uncertain significance (1 of 4 stars; one submission).

Conditions:
Alstrom syndrome (ALMS). Identifiers: Orphanet 64, MedGen C0268425, MONDO:0008763, OMIM 203800.

gnomAD v4.1: 1 of 1,614,028 alleles (0.000062%); highest among the groups gnomAD compares: East Asian, 0.0022%; no homozygotes.

Submission:

Labcorp Genetics (formerly Invitae), Labcorp
Classification: Uncertain significance for Alstrom syndrome. Last evaluated: 2022-05-06. Review status: criteria provided, single submitter. Criteria: Invitae Variant Classification Sherloc (09022015). Collection method: clinical testing. Allele origin: germline.
Comment: This sequence change replaces valine, which is neutral and non-polar, with phenylalanine, which is neutral and non-polar, at codon 1923 of the ALMS1 protein (p.Val1923Phe). This variant is present in population databases (no rsID available, gnomAD 0.006%). This variant has not been reported in the literature in individuals affected with ALMS1-related conditions. Experimental studies and prediction algorithms are not available or were not evaluated, and the functional significance of this variant is currently unknown. In summary, the available evidence is currently insufficient to determine the role of this variant in disease. Therefore, it has been classified as a Variant of Uncertain Significance.